The following is an entry in ClinVar:

ClinVar aggregate classification (germline): Uncertain significance. Review status: criteria provided, multiple submitters, no conflicts (2 of 4 stars). 4 submissions from 4 submitters: Uncertain significance (4). Last evaluated 2026-04-14.

Conditions:
MC4R-related disorder. Also called: MC4R-related condition.
BODY MASS INDEX QUANTITATIVE TRAIT LOCUS 20 (BMIQ20). Also called: MELANOCORTIN 4 RECEPTOR DEFICIENCY; MC4R DEFICIENCY. Identifiers: MedGen C4759928, OMIM 618406.

Allele frequency attached by ClinVar (database versions not stated): ExAC 0.00005; TOPMed 0.00005; gnomAD exomes 0.00006 and 0.00003; gnomAD 0.00003.
gnomAD v4.1: 46 of 1,613,974 alleles (0.0029%); highest among the groups gnomAD compares: Middle Eastern, 0.016%; 1 homozygote.

Submissions (4):

PreventionGenetics, part of Exact Sciences
Classification: Uncertain significance for MC4R-related condition. Last evaluated: 2026-04-14. Review status: criteria provided, single submitter. Criteria: ACMG Guidelines, 2015. Collection method: clinical testing. Allele origin: germline.
Comment: The MC4R c.691G>A variant is predicted to result in the amino acid substitution p.Gly231Ser. This variant has been reported in several obese individuals (Lubrano-Berthelier et al. 2006. PubMed ID: 16507637; Kim et al. 2008. PubMed ID: 17986382; Calton et al 2009. PubMed ID: 19091795). However, functional characterization of MC4R p.Gly231Ser has been conflicting. Some studies have reported that the variant leads to a decrease in MC4R function and contributes to obesity (Kim et al. 2008. PubMed ID: 17986382; Govaerts et al. 2005. PubMed ID: 16083993). Stutzmann reported the p.Gly231Ser variant led to partial loss of function as measured by cAMP production (Stutzmann et al. 2008. PubMed ID: 18559663). Another functional study showed that the variant lead to an increase in cAMP production causing a gain of function with a protective effect against obesity (Lotta et al 2019. PubMed ID: 31002796). In addition, a second variant affecting the same amino acid (p.Gly231Val) was shown to have functional properties similar to wild type protein and was found in non-obese individuals (Wang and Tao. 2011. PubMed ID: 21729752; Lotta et al 2019. PubMed ID: 31002796; Stutzmann et al. 2008. PubMed ID: 18559663). This variant is reported in 0.025% of alleles in individuals of Latino descent in gnomAD. At this time, the clinical significance of this variant is uncertain due to the absence of conclusive functional and genetic evidence.

Fulgent Genetics
Classification: Uncertain significance for BODY MASS INDEX QUANTITATIVE TRAIT LOCUS 20. Last evaluated: 2022-04-14. Review status: criteria provided, single submitter. Criteria: ACMG Guidelines, 2015. Collection method: clinical testing. Allele origin: unknown.

Blueprint Genetics
Classification: Uncertain significance. Last evaluated: 2022-01-18. Review status: criteria provided, single submitter. Criteria: ACMG Guidelines, 2015. Collection method: clinical testing. Allele origin: germline.

Athena Diagnostics
Classification: Uncertain significance. Last evaluated: 2020-03-18. Review status: criteria provided, single submitter. Criteria: Athena Diagnostics Criteria. Collection method: clinical testing. Allele origin: unknown.

Literature cited by the submitters: PubMed 29311635 (cited by Athena Diagnostics); PubMed 17986382 (cited by Athena Diagnostics); PubMed 20696697 (cited by Athena Diagnostics); PubMed 29031731 (cited by Athena Diagnostics); PubMed 23895708 (cited by Athena Diagnostics); PubMed 16507637 (cited by Athena Diagnostics).

NM_005912.3(MC4R):c.691G>A (p.Gly231Ser)

Gene: MC4R (melanocortin 4 receptor; minus strand). Cytogenetic location: 18q21.32.
Variant type: single nucleotide variant.
Coding change: c.691G>A on transcript NM_005912.3 (MANE Select); coding-DNA position 691, G replaced by A.
Protein change: p.Gly231Ser; replaces glycine 231 with serine.
Molecular consequence: missense variant.
Genome position (GRCh38, 1-based): chr18:60,371,659, C>T on the plus strand (G>A on the coding strand, the complement: MC4R is on the minus strand). VCF-style: chr18-60371659-C-T. GRCh37 (hg19) VCF-style: chr18-58038892-C-T.
Other names: short protein forms G231S.
Identifiers: ClinVar variation 995181 (VCV000995181.4), dbSNP rs1363347811, ClinGen allele CA8980864.